The following is an entry in ClinVar:

NC_000005.10:g.112707413del

Gene: APC (APC regulator of Wnt signaling pathway; plus strand). Cytogenetic location: 5q22.2.
Variant type: Deletion.
Genome position: GRCh38 VCF-style: chr5-112707411-CA-C. GRCh37 (hg19) VCF-style: chr5-112043108-CA-C.
Identifiers: ClinVar variation 1025531 (VCV001025531.10), dbSNP rs1750557687, ClinGen allele CA1573442269.

ClinVar aggregate classification (germline): Uncertain significance (1 of 4 stars; one submission).

Conditions:
Familial adenomatous polyposis 1 (FAP1). Also called: FAMILIAL ADENOMATOUS POLYPOSIS 1, ATTENUATED; POLYPOSIS, ADENOMATOUS INTESTINAL. Identifiers: MedGen C2713442, MONDO:0021056, OMIM 175100. Disease mechanism: loss of function.

Submission:

Labcorp Genetics (formerly Invitae), Labcorp
Classification: Uncertain significance for Familial adenomatous polyposis 1. Last evaluated: 2023-02-14. Review status: criteria provided, single submitter. Criteria: Invitae Variant Classification Sherloc (09022015). Collection method: clinical testing. Allele origin: germline.
Comment: In summary, the available evidence is currently insufficient to determine the role of this variant in disease. Therefore, it has been classified as a Variant of Uncertain Significance. Experimental studies and prediction algorithms are not available or were not evaluated, and the functional significance of this variant is currently unknown. This variant has not been reported in the literature in individuals affected with APC-related conditions. This variant is not present in population databases (gnomAD no frequency). This variant occurs in a non-coding region of the APC gene. It does not change the encoded amino acid sequence of the APC protein.